The following is an entry in ClinVar:

NM_000548.5(TSC2):c.3611-1G>C

Gene: TSC2 (TSC complex subunit 2; plus strand). Cytogenetic location: 16p13.3.
Variant type: single nucleotide variant.
Coding change: c.3611-1G>C on transcript NM_000548.5 (MANE Select); the canonical splice acceptor site of the intron before coding-DNA position 3611, G replaced by C.
Molecular consequence: splice acceptor variant.
Genome position (GRCh38, 1-based): chr16:2,081,594, G>C. VCF-style: chr16-2081594-G-C. GRCh37 (hg19) VCF-style: chr16-2131595-G-C.
Other names: c.2138-1G>C (NM_001406693.1, NM_001406690.1, NM_001406692.1 and 1 more transcripts); c.3572-1G>C (NM_001406667.1); c.3569-1G>C (NM_001406668.1); c.3011-1G>C (NM_001406680.1, NM_001406683.1, NM_001406682.1); c.2879-1G>C (NM_001406687.1, NM_001318831.2, NM_001406688.1); c.3008-1G>C (NM_001406684.1); c.2882-1G>C (NM_001406685.1, NM_001406686.1); c.3422-1G>C (NM_001406677.1); and 18 more.
Identifiers: ClinVar variation 1068074 (VCV001068074.7), dbSNP rs45517302, ClinGen allele CA394291349.

ClinVar aggregate classification (germline): Likely pathogenic (1 of 4 stars; one submission).

Conditions:
Tuberous sclerosis 2 (TSC2). Identifiers: Orphanet 805, MedGen C1860707, MONDO:0013199, OMIM 613254.

Submission:

Labcorp Genetics (formerly Invitae), Labcorp
Classification: Likely pathogenic for Tuberous sclerosis 2. Last evaluated: 2020-07-14. Review status: criteria provided, single submitter. Criteria: Invitae Variant Classification Sherloc (09022015). Collection method: clinical testing. Allele origin: germline.
Comment: In summary, the currently available evidence indicates that the variant is pathogenic, but additional data are needed to prove that conclusively. Therefore, this variant has been classified as Likely Pathogenic. Donor and acceptor splice site variants typically lead to a loss of protein function (PMID: 16199547), and loss-of-function variants in TSC2 are known to be pathogenic (PMID: 10205261, 17304050). Algorithms developed to predict the effect of sequence changes on RNA splicing suggest that this variant may disrupt the consensus splice site, but this prediction has not been confirmed by published transcriptional studies. This variant has not been reported in the literature in individuals with TSC2-related conditions. This variant is not present in population databases (ExAC no frequency). This sequence change affects an acceptor splice site in intron 30 of the TSC2 gene. It is expected to disrupt RNA splicing and likely results in an absent or disrupted protein product.

Literature cited by the submitters: PubMed 16199547; PubMed 10205261; PubMed 17304050.